The following is an entry in ClinVar:

NM_000182.5(HADHA):c.1690-14C>T

Genes: GAREM2 (GRB2 associated regulator of MAPK1 subtype 2; plus strand), HADHA (hydroxyacyl-CoA dehydrogenase trifunctional multienzyme complex subunit alpha; minus strand). Cytogenetic location: 2p23.3.
Variant type: single nucleotide variant.
Coding change: c.1690-14C>T on transcript NM_000182.5 (MANE Select); 14 bases into the intron before coding-DNA position 1690, C replaced by T.
Molecular consequence: intron variant.
Genome position (GRCh38, 1-based): chr2:26,193,786, G>A on the plus strand (C>T on the coding strand, the complement: HADHA is on the minus strand). VCF-style: chr2-26193786-G-A. GRCh37 (hg19) VCF-style: chr2-26416655-G-A.
Identifiers: ClinVar variation 335379 (VCV000335379.15), dbSNP rs142401180, ClinGen allele CA1559474.

ClinVar aggregate classification (germline): Benign/Likely benign. Review status: criteria provided, multiple submitters, no conflicts (2 of 4 stars). 5 submissions from 4 submitters: Benign (1); Likely benign (3). 1 of the submissions does not count toward it. Last evaluated 2026-01-28.

Conditions:
Mitochondrial trifunctional protein deficiency. Identifiers: Orphanet 746, MedGen C1969443, MONDO:0012172.
Long chain 3-hydroxyacyl-CoA dehydrogenase deficiency. Also called: Deficiency of long-chain 3-hydroxyacyl-coenzyme A dehydrogenase; LCHAD Deficiency. Identifiers: Orphanet 5, MedGen C3711645, MONDO:0012173, OMIM 609016.
HADHA-related disorder. Also called: HADHA-related condition; HADHA-related disorders.

Allele frequency attached by ClinVar (database versions not stated): gnomAD 0.00013 and 0.00016; gnomAD exomes 0.00013 and 0.00045; ExAC 0.00040; TOPMed 0.00053; 1000 Genomes Project 0.00080; 1000 Genomes Project 30x 0.00094.
gnomAD v4.1: 217 of 1,608,728 alleles (0.013%); highest among the groups gnomAD compares: East Asian, 0.45%; no homozygotes.

Submissions (5):

Labcorp Genetics (formerly Invitae), Labcorp
Classification: Benign for Mitochondrial trifunctional protein deficiency; Long chain 3-hydroxyacyl-CoA dehydrogenase deficiency. Last evaluated: 2026-01-28. Review status: criteria provided, single submitter. Criteria: Invitae Variant Classification Sherloc (09022015). Collection method: clinical testing. Allele origin: germline.

Blueprint Genetics
Classification: Likely benign. Last evaluated: 2024-07-05. Review status: criteria provided, single submitter. Criteria: ACMG Guidelines, 2015. Collection method: clinical testing. Allele origin: germline.

Illumina Laboratory Services, Illumina
Classification: Likely benign for Mitochondrial trifunctional protein deficiency 1. Last evaluated: 2018-01-13. Review status: criteria provided, single submitter. Criteria: ICSL Variant Classification Criteria 13 December 2019. Collection method: clinical testing. Allele origin: germline.
Comment: This variant was observed in the ICSL laboratory as part of a predisposition screen in an ostensibly healthy population. It had not been previously curated by ICSL or reported in the Human Gene Mutation Database (HGMD: prior to June 1st, 2018), and was therefore a candidate for classification through an automated scoring system. Utilizing variant allele frequency, disease prevalence and penetrance estimates, and inheritance mode, an automated score was calculated to assess if this variant is too frequent to cause the disease. Based on the score and internal cut-off values, a variant classified as likely benign is not then subjected to further curation. The score for this variant resulted in a classification of likely benign for this disease.

Illumina Laboratory Services, Illumina
Classification: Likely benign for Long chain 3-hydroxyacyl-CoA dehydrogenase deficiency. Last evaluated: 2018-01-13. Review status: criteria provided, single submitter. Criteria: ICSL Variant Classification Criteria 13 December 2019. Collection method: clinical testing. Allele origin: germline.
Comment: the same text as in the submission from Illumina Laboratory Services, Illumina above.

PreventionGenetics, part of Exact Sciences
Classification: Likely benign for HADHA-related condition. Last evaluated: 2022-11-17. Review status: no assertion criteria provided. Collection method: clinical testing. Allele origin: germline. Not counted in ClinVar's aggregate classification.
Comment: This variant is classified as likely benign based on ACMG/AMP sequence variant interpretation guidelines (Richards et al. 2015 PMID: 25741868, with internal and published modifications).